The following is an entry in ClinVar:

ClinVar aggregate classification (germline): Likely pathogenic (1 of 4 stars; one submission).

Submission:

Athena Diagnostics
Classification: Likely pathogenic. Last evaluated: 2018-12-27. Review status: criteria provided, single submitter. Criteria: Athena Diagnostics Criteria. Collection method: clinical testing. Allele origin: germline.
Comment: The variant results in a shift of the reading frame, and is therefore predicted to result in the loss of a functional protein. Not found in the total gnomAD dataset, and the data is high quality (0/251394 chr).

NM_001244710.2(GFPT1):c.1205_1206insGCGTC (p.Gln404fs)

Gene: GFPT1 (glutamine--fructose-6-phosphate transaminase 1; minus strand). Cytogenetic location: 2p13.3.
Variant type: Insertion.
Coding change: c.1205_1206insGCGTC on transcript NM_001244710.2 (MANE Select); coding-DNA positions 1205 to 1206, GCGTC inserted.
Protein change: p.Gln404fs; shifts the reading frame from glutamine 404.
Molecular consequence: frameshift variant.
Genome position: GRCh38 VCF-style: chr2-69338563-T-TGACGC. GRCh37 (hg19) VCF-style: chr2-69565695-T-TGACGC.
Other names: c.1151_1152insGCGTC, p.Gln386fs (NM_002056.4); short protein forms Q386fs, Q404fs.
Identifiers: ClinVar variation 804869 (VCV000804869.1), dbSNP rs1574051096, ClinGen allele CA915944063.